The following is an entry in ClinVar:

NM_014927.5(CNKSR2):c.2531G>A (p.Ser844Asn)

Gene: CNKSR2 (connector enhancer of kinase suppressor of Ras 2; plus strand). Cytogenetic location: Xp22.12.
Variant type: single nucleotide variant.
Coding change: c.2531G>A on transcript NM_014927.5 (MANE Select); coding-DNA position 2531, G replaced by A.
Protein change: p.Ser844Asn; replaces serine 844 with asparagine.
Molecular consequence: missense variant.
Genome position (GRCh38, 1-based): chrX:21,609,456, G>A. VCF-style: chrX-21609456-G-A. GRCh37 (hg19) VCF-style: chrX-21627574-G-A.
Other names: c.2441G>A, p.Ser814Asn (NM_001168647.3, NM_001330773.2); c.2531G>A, p.Ser844Asn (NM_001168648.3); c.2384G>A, p.Ser795Asn (NM_001168649.3, NM_001330770.2); c.2294G>A, p.Ser765Asn (NM_001330771.2, NM_001330772.2); short protein forms S765N, S795N, S814N, S844N.
Identifiers: ClinVar variation 3364472 (VCV003364472.1).

ClinVar aggregate classification (germline): Uncertain significance (1 of 4 stars; one submission).

Submission:

GeneDx
Classification: Uncertain significance. Last evaluated: 2023-11-25. Review status: criteria provided, single submitter. Criteria: GeneDx Variant Classification Process June 2021. Collection method: clinical testing. Allele origin: germline. Affected: yes.
Comment: Not observed at significant frequency in large population cohorts (gnomAD); In silico analysis supports that this missense variant does not alter protein structure/function; Has not been previously published as pathogenic or benign to our knowledge